The following is an entry in ClinVar:

NM_001605.3(AARS1):c.2400G>T (p.Glu800Asp)

Gene: AARS1 (alanyl-tRNA synthetase 1; minus strand). Cytogenetic location: 16q22.1.
Variant type: single nucleotide variant.
Coding change: c.2400G>T on transcript NM_001605.3 (MANE Select); coding-DNA position 2400, G replaced by T.
Protein change: p.Glu800Asp; replaces glutamic acid 800 with aspartic acid.
Molecular consequence: missense variant.
Genome position (GRCh38, 1-based): chr16:70,254,621, C>A on the plus strand (G>T on the coding strand, the complement: AARS1 is on the minus strand). VCF-style: chr16-70254621-C-A. GRCh37 (hg19) VCF-style: chr16-70288524-C-A.
Other names: short protein forms E800D.
Identifiers: ClinVar variation 3710416 (VCV003710416.2).

ClinVar aggregate classification (germline): Uncertain significance (1 of 4 stars; one submission).

Conditions:
Charcot-Marie-Tooth disease type 2. Also called: Charcot-Marie-Tooth type 2. Identifiers: Orphanet 64746, MedGen C0270914, MONDO:0018993.

Submission:

Labcorp Genetics (formerly Invitae), Labcorp
Classification: Uncertain significance for Charcot-Marie-Tooth disease type 2. Last evaluated: 2024-10-03. Review status: criteria provided, single submitter. Criteria: Invitae Variant Classification Sherloc (09022015). Collection method: clinical testing. Allele origin: germline.
Comment: This sequence change replaces glutamic acid, which is acidic and polar, with aspartic acid, which is acidic and polar, at codon 800 of the AARS protein (p.Glu800Asp). This variant also falls at the last nucleotide of exon 17, which is part of the consensus splice site for this exon. This variant is not present in population databases (gnomAD no frequency). This variant has not been reported in the literature in individuals affected with AARS-related conditions. An algorithm developed to predict the effect of missense changes on protein structure and function (PolyPhen-2) suggests that this variant is likely to be tolerated. Variants that disrupt the consensus splice site are a relatively common cause of aberrant splicing (PMID: 17576681, 9536098). Algorithms developed to predict the effect of sequence changes on RNA splicing suggest that this variant may disrupt the consensus splice site. In summary, the available evidence is currently insufficient to determine the role of this variant in disease. Therefore, it has been classified as a Variant of Uncertain Significance.

Literature cited by the submitters: PubMed 17576681; PubMed 9536098.